The following is an entry in ClinVar:

NM_006766.5(KAT6A):c.2869_2870delinsTT (p.Ala957Phe)

Gene: KAT6A (lysine acetyltransferase 6A; minus strand). Cytogenetic location: 8p11.21.
Variant type: Indel.
Coding change: c.2869_2870delinsTT on transcript NM_006766.5 (MANE Select); coding-DNA positions 2869 to 2870, GC replaced by TT.
Protein change: p.Ala957Phe; replaces alanine 957 with phenylalanine.
Molecular consequence: missense variant.
Genome position (GRCh38, 1-based): chr8:41,941,011-41,941,012, GC replaced by AA on the plus strand (GC replaced by TT on the coding strand, the reverse complement: KAT6A is on the minus strand). VCF-style: chr8-41941011-GC-AA. GRCh37 (hg19) VCF-style: chr8-41798529-GC-AA.
Other names: short protein forms A957F.
Identifiers: ClinVar variation 2788622 (VCV002788622.3), dbSNP rs2486770982, ClinGen allele CA2739279422.
Genomic context (GRCh38, chr8:41,941,011, plus strand): 5'-TCACCCTCACTGTAGCGACGGGGCAGCCTCTCACTTCCTTCTGTTAATCTGCACTTCAGA[GC>AA]CTCAGGGCTTTTCTTGAGCTGTCCTCGCCAGGGCTCAACCCCCTCACTGAGTCTTCTCTT-3'
Protein context (NP_006757.2, residues 947-967): WRGQLKKSPE[Ala957Phe]LKCRLTEGSE

ClinVar aggregate classification (germline): Uncertain significance (1 of 4 stars; one submission).

Submission:

Labcorp Genetics (formerly Invitae), Labcorp
Classification: Uncertain significance. Last evaluated: 2025-10-16. Review status: criteria provided, single submitter. Criteria: Invitae Variant Classification Sherloc (09022015). Collection method: clinical testing. Allele origin: germline.
Comment: This sequence change replaces alanine, which is neutral and non-polar, with phenylalanine, which is neutral and non-polar, at codon 957 of the KAT6A protein (p.Ala957Phe). The frequency data for this variant in the population databases is considered unreliable, as metrics indicate poor data quality at this position in the gnomAD database. This variant has not been reported in the literature in individuals affected with KAT6A-related conditions. ClinVar contains an entry for this variant (Variation ID: 2788622). An algorithm developed to predict the effect of missense changes on protein structure and function (PolyPhen-2) suggests that this variant is likely to be tolerated. In summary, the available evidence is currently insufficient to determine the role of this variant in disease. Therefore, it has been classified as a Variant of Uncertain Significance.